The following is an entry in ClinVar:

ClinVar aggregate classification (germline): Likely benign. Review status: criteria provided, multiple submitters, no conflicts (2 of 4 stars). 3 submissions from 3 submitters: Likely benign (3). Last evaluated 2025-08-13.

Conditions:
Werner syndrome (WRN). Identifiers: Orphanet 902, MedGen C0043119, MONDO:0010196, OMIM 277700.

Allele frequency attached by ClinVar (database versions not stated): gnomAD exomes below 0.00001 and 0.00001; TOPMed 0.00001.
gnomAD v4.1: 3 of 1,613,852 alleles (0.00019%); highest among the groups gnomAD compares: Admixed American, 0.005%; no homozygotes.

Submissions (3):

Labcorp Genetics (formerly Invitae), Labcorp
Classification: Likely benign for Werner syndrome. Last evaluated: 2025-08-13. Review status: criteria provided, single submitter. Criteria: Invitae Variant Classification Sherloc (09022015). Collection method: clinical testing. Allele origin: germline.

CeGaT Center for Human Genetics Tuebingen
Classification: Likely benign. Last evaluated: 2023-06-01. Review status: criteria provided, single submitter. Criteria: CeGaT Center For Human Genetics Tuebingen Variant Classification Criteria Version 2. Collection method: clinical testing. Allele origin: germline. Affected: yes. Observed: 1 variant allele.
Comment: WRN: BP4, BP7

Breakthrough Genomics
Classification: Likely benign. Review status: criteria provided, single submitter. Criteria: ACMG Guidelines, 2015. Collection method: not provided. Allele origin: germline. Inheritance: Autosomal recessive inheritance. Affected: yes.

NM_000553.6(WRN):c.516A>G (p.Thr172=)

Gene: WRN (WRN RecQ like helicase; plus strand). Cytogenetic location: 8p12.
Variant type: single nucleotide variant.
Coding change: c.516A>G on transcript NM_000553.6 (MANE Select); coding-DNA position 516, A replaced by G.
Protein change: p.Thr172=; no amino-acid change (threonine 172 retained).
Molecular consequence: synonymous variant.
Genome position (GRCh38, 1-based): chr8:31,067,044, A>G. VCF-style: chr8-31067044-A-G. GRCh37 (hg19) VCF-style: chr8-30924560-A-G.
Identifiers: ClinVar variation 1148207 (VCV001148207.32), dbSNP rs1271302052, ClinGen allele CA460221596.